The following is an entry in ClinVar:

NM_000059.4(BRCA2):c.5124A>T (p.Ala1708=)

Gene: BRCA2 (BRCA2 DNA repair associated; plus strand). Cytogenetic location: 13q13.1.
Variant type: single nucleotide variant.
Coding change: c.5124A>T on transcript NM_000059.4 (MANE Select); coding-DNA position 5124, A replaced by T.
Protein change: p.Ala1708=; no amino-acid change (alanine 1708 retained).
Molecular consequence: synonymous variant.
Genome position (GRCh38, 1-based): chr13:32,339,479, A>T. VCF-style: chr13-32339479-A-T. GRCh37 (hg19) VCF-style: chr13-32913616-A-T.
Identifiers: ClinVar variation 427463 (VCV000427463.3), dbSNP rs780535833, ClinGen allele CA6940849.

ClinVar aggregate classification (germline): Likely benign (3 of 4 stars; one submission).

Conditions:
Breast-ovarian cancer, familial, susceptibility to, 2 (BROVCA2). Also called: BRCA2 Hereditary Breast and Ovarian Cancer. Identifiers: Orphanet 145, MedGen C2675520, MONDO:0012933, OMIM 612555. Disease mechanism: loss of function.

Allele frequency attached by ClinVar (database versions not stated): gnomAD exomes below 0.00001; ExAC 0.00001.

Submission:

Evidence-based Network for the Interpretation of Germline Mutant Alleles (ENIGMA)
Classification: Likely benign for Breast-ovarian cancer, familial, susceptibility to, 2. Last evaluated: 2017-06-29. Review status: reviewed by expert panel. Criteria: ENIGMA BRCA1/2 Classification Criteria (2017-06-29). Collection method: curation. Allele origin: germline.
Comment: Synonymous substitution variant, with low bioinformatic likelihood to result in a splicing aberration (Splicing prior probability 0.02).